The following is an entry in ClinVar:

NM_000334.4(SCN4A):c.2009C>A (p.Ser670Tyr)

Gene: SCN4A (sodium voltage-gated channel alpha subunit 4; minus strand). Cytogenetic location: 17q23.3.
Variant type: single nucleotide variant.
Coding change: c.2009C>A on transcript NM_000334.4 (MANE Select); coding-DNA position 2009, C replaced by A.
Protein change: p.Ser670Tyr; replaces serine 670 with tyrosine.
Molecular consequence: missense variant.
Genome position (GRCh38, 1-based): chr17:63,959,275, G>T on the plus strand (C>A on the coding strand, the complement: SCN4A is on the minus strand). VCF-style: chr17-63959275-G-T. GRCh37 (hg19) VCF-style: chr17-62036635-G-T.
Other names: short protein forms S670Y.
Identifiers: ClinVar variation 617484 (VCV000617484.5), dbSNP rs914586984, ClinGen allele CA400631582.

ClinVar aggregate classification (germline): Pathogenic (1 of 4 stars; one submission).

Conditions:
Potassium-aggravated myotonia. Also called: Myotonia congenita, atypical, acetazolamide-responsive; MYOTONIA CONGENITA, ACETAZOLAMIDE-RESPONSIVE; MYOTONIA CONGENITA, ATYPICAL; SODIUM CHANNEL MUSCLE DISEASE. Identifiers: Orphanet 612, Orphanet 99734, Orphanet 99735, Orphanet 99736, MedGen C2931826, MONDO:0018959, OMIM 608390.

Submission:

Department Of Genetics, Lifeline Super Speciality Hospital, Adoor.
Classification: Pathogenic for Potassium-aggravated myotonia. Last evaluated: 2018-12-12. Review status: criteria provided, single submitter. Criteria: ACMG Guidelines, 2015. Collection method: clinical testing. Allele origin: de novo. Inheritance: Autosomal dominant inheritance. Affected: yes. Observed: 1 heterozygote.
Comment: A heterozygous missense variation in exon 12 of the SCN4A gene (chr17:62036635G>T) that results in the amino acid substitution of Tyrosine for Serine at codon 670 (p.Ser670Tyr; ENST00000435607.1) was detected. The observed variation lies in the ion transport protein domain of the SCN4A gene and missense variation in this domain has previously been reported (as p.Phe671Ser) in patients affected with non-dystrophic myotonia. The p.Ser670Tyr variant has not been reported in the 1000 Genomes and ExAC databases. The in silico predictions of the variant are possibly damaging by PolyPhen-2 (HumDiv) and damaging by SIFT, LRT and MutationTaster2.